The following is an entry in ClinVar:

NM_133443.4(GPT2):c.569G>A (p.Gly190Asp)

Gene: GPT2 (glutamic--pyruvic transaminase 2; plus strand). Cytogenetic location: 16q11.2.
Variant type: single nucleotide variant.
Coding change: c.569G>A on transcript NM_133443.4 (MANE Select); coding-DNA position 569, G replaced by A.
Protein change: p.Gly190Asp; replaces glycine 190 with aspartic acid.
Molecular consequence: missense variant.
Genome position (GRCh38, 1-based): chr16:46,906,968, G>A. VCF-style: chr16-46906968-G-A. GRCh37 (hg19) VCF-style: chr16-46940880-G-A.
Other names: c.269G>A, p.Gly90Asp (NM_001142466.3); short protein forms G190D, G90D.
Identifiers: ClinVar variation 4292212 (VCV004292212.1).

ClinVar aggregate classification (germline): Uncertain significance (1 of 4 stars; one submission).

Conditions:
Glutamate pyruvate transaminase 2 deficiency (NEDSPM). Also called: Neurodevelopmental disorder with microcephaly and spastic paraplegia. Identifiers: Orphanet 477673, MedGen C4225388, MONDO:0014567, OMIM 616281.

Submission:

3billion
Classification: Uncertain significance for Glutamate pyruvate transaminase 2 deficiency. Last evaluated: 2024-08-26. Review status: criteria provided, single submitter. Criteria: ACMG Guidelines, 2015. Collection method: clinical testing. Allele origin: germline. Affected: yes.
Comment: The variant is not observed in the gnomAD v4.0.0 dataset. Predicted Consequence/Location: Missense variant Damaging effect on gene or gene product predicted by in silico programs is uncertain [REVEL: 0.59 (damaging >=0.6, benign <0.4), 3Cnet: 0.28 (damaging >=0.6, benign <0.15)]. Therefore, this variant is classified as VUS according to the recommendation of ACMG/AMP guideline.